The following is an entry in ClinVar:

ClinVar aggregate classification (germline): Likely benign (1 of 4 stars; one submission).

Conditions:
Autosomal dominant nonsyndromic hearing loss 5. Identifiers: Orphanet 90635, MedGen C1832932, MONDO:0010973, OMIM 600994.

Allele frequency attached by ClinVar (database versions not stated): TOPMed 0.00003; gnomAD 0.00004 and 0.00010; gnomAD exomes 0.00007 and 0.00014; ExAC 0.00014; 1000 Genomes Project 30x 0.00062; 1000 Genomes Project 0.00080.
gnomAD v4.1: 219 of 1,614,150 alleles (0.014%); highest among the groups gnomAD compares: East Asian, 0.49%; 1 homozygote.

Submission:

Illumina Laboratory Services, Illumina
Classification: Likely benign for Autosomal dominant nonsyndromic hearing loss 5. Last evaluated: 2018-01-13. Review status: criteria provided, single submitter. Criteria: ICSL Variant Classification Criteria 13 December 2019. Collection method: clinical testing. Allele origin: germline.
Comment: This variant was observed in the ICSL laboratory as part of a predisposition screen in an ostensibly healthy population. It had not been previously curated by ICSL or reported in the Human Gene Mutation Database (HGMD: prior to June 1st, 2018), and was therefore a candidate for classification through an automated scoring system. Utilizing variant allele frequency, disease prevalence and penetrance estimates, and inheritance mode, an automated score was calculated to assess if this variant is too frequent to cause the disease. Based on the score and internal cut-off values, a variant classified as likely benign is not then subjected to further curation. The score for this variant resulted in a classification of likely benign for this disease.

NM_001127453.2(GSDME):c.906G>A (p.Leu302=)

Gene: GSDME (gasdermin E; minus strand). Cytogenetic location: 7p15.3.
Variant type: single nucleotide variant.
Coding change: c.906G>A on transcript NM_001127453.2 (MANE Select); coding-DNA position 906, G replaced by A.
Protein change: p.Leu302=; no amino-acid change (leucine 302 retained).
Molecular consequence: synonymous variant.
Genome position (GRCh38, 1-based): chr7:24,708,211, C>T on the plus strand (G>A on the coding strand, the complement: GSDME is on the minus strand). VCF-style: chr7-24708211-C-T. GRCh37 (hg19) VCF-style: chr7-24747830-C-T.
Other names: c.414G>A, p.Leu138= (NM_001127454.2); c.906G>A, p.Leu302= (NM_004403.3).
Identifiers: ClinVar variation 911373 (VCV000911373.4), dbSNP rs141596134, ClinGen allele CA4191507.